The following is an entry in ClinVar:

NM_000179.3(MSH6):c.131C>T (p.Pro44Leu)

Gene: MSH6 (mutS homolog 6; plus strand). Cytogenetic location: 2p16.3.
Variant type: single nucleotide variant.
Coding change: c.131C>T on transcript NM_000179.3 (MANE Select); coding-DNA position 131, C replaced by T.
Protein change: p.Pro44Leu; replaces proline 44 with leucine.
Molecular consequence: missense variant. On other transcripts: 5 prime UTR variant (1).
Genome position (GRCh38, 1-based): chr2:47,783,364, C>T. VCF-style: chr2-47783364-C-T. GRCh37 (hg19) VCF-style: chr2-48010503-C-T.
Other names: c.131C>T, p.Pro44Leu (NM_001281492.2); c.-606C>T (NM_001281493.2); short protein forms P44L.
Identifiers: ClinVar variation 216295 (VCV000216295.24), dbSNP rs863224615, ClinGen allele CA338295.
Genomic context (GRCh38, chr2:47,783,364, plus strand): 5'-CGGCCAGGGCCTCACGCGAAGGCGGCCGTGCCGCCGCTGCCCCCGGGGCCTCTCCTTCCC[C>T]AGGCGGGGATGCGGCCTGGAGCGAGGCTGGGCCTGGGCCCAGGCCCTTGGCGCGCTCCGC-3'
Protein context (NP_000170.1, residues 34-54): AAAAPGASPS[Pro44Leu]GGDAAWSEAG

ClinVar aggregate classification (germline): Conflicting classifications of pathogenicity. Review status: criteria provided, conflicting classifications (1 of 4 stars). 6 submissions from 6 submitters: Uncertain significance (4); Likely benign (2). Last evaluated 2025-11-10.

Conditions:
Mismatch repair cancer syndrome 3. Identifiers: MedGen C5436807, MONDO:0030841, OMIM 619097.
Lynch syndrome 5 (LYNCH5). Also called: Hereditary non-polyposis colorectal cancer, type 5; Colorectal cancer, hereditary nonpolyposis, type 5. Identifiers: Orphanet 144, MedGen C1833477, MONDO:0013710, OMIM 614350. Disease mechanism: loss of function.
Endometrial carcinoma. Also called: Endometrial carcinoma, somatic. Identifiers: MedGen C0476089, MONDO:0002447, OMIM 608089, HP:0012114.
Hereditary nonpolyposis colorectal neoplasms. Identifiers: MedGen C0009405, MeSH D003123.
Hereditary cancer-predisposing syndrome. Also called: Hereditary Cancer Syndrome; Hereditary neoplastic syndrome; Neoplastic Syndromes, Hereditary; Tumor predisposition. Identifiers: Orphanet 140162, MedGen C0027672, MeSH D009386, MONDO:0015356.
Lynch syndrome. Identifiers: Orphanet 144, MedGen C4552100, MONDO:0005835. Disease mechanism: loss of function.

Allele frequency attached by ClinVar (database versions not stated): gnomAD 0.00001; gnomAD exomes below 0.00001; TOPMed below 0.00001.
gnomAD v4.1: 5 of 1,604,884 alleles (0.00031%); highest among the groups gnomAD compares: Non-Finnish European, 0.00043%; no homozygotes.

Submissions (6):

Labcorp Genetics (formerly Invitae), Labcorp
Classification: Likely benign for Hereditary nonpolyposis colorectal neoplasms. Last evaluated: 2025-11-10. Review status: criteria provided, single submitter. Criteria: Invitae Variant Classification Sherloc (09022015). Collection method: clinical testing. Allele origin: germline.

Color Diagnostics, LLC DBA Color Health
Classification: Uncertain significance for Hereditary cancer-predisposing syndrome. Last evaluated: 2024-05-23. Review status: criteria provided, single submitter. Criteria: ACMG Guidelines, 2015. Collection method: clinical testing. Allele origin: germline.
Comment: This missense variant replaces proline with leucine at codon 44 of the MSH6 protein. Computational prediction suggests that this variant may not impact protein structure and function. To our knowledge, functional studies have not been reported for this variant. This variant has not been reported in individuals affected with MSH6-related disorders in the literature. This variant has been identified in 1/31326 chromosomes in the general population by the Genome Aggregation Database (gnomAD). The available evidence is insufficient to determine the role of this variant in disease conclusively. Therefore, this variant is classified as a Variant of Uncertain Significance.

Department of Pathology and Laboratory Medicine, Sinai Health System
Classification: Uncertain significance for Endometrial carcinoma; Lynch syndrome 5; Mismatch repair cancer syndrome 3. Last evaluated: 2023-11-07. Review status: criteria provided, single submitter. Criteria: ACMG Guidelines, 2015. Collection method: clinical testing. Allele origin: germline. Affected: no.

GeneDx
Classification: Uncertain significance. Last evaluated: 2023-07-25. Review status: criteria provided, single submitter. Criteria: GeneDx Variant Classification Process June 2021. Collection method: clinical testing. Allele origin: germline. Affected: yes.
Comment: Not observed at significant frequency in large population cohorts (gnomAD); In silico analysis supports that this missense variant does not alter protein structure/function; Has not been previously published as pathogenic or benign to our knowledge

All of Us Research Program, National Institutes of Health
Classification: Uncertain significance for Lynch syndrome. Last evaluated: 2023-05-04. Review status: criteria provided, single submitter. Criteria: ACMG Guidelines, 2015. Collection method: clinical testing. Allele origin: germline. Inheritance: Autosomal dominant inheritance. Observed: 1 variant allele, 1 heterozygote.
Comment: This missense variant replaces proline with leucine at codon 44 of the MSH6 protein. Computational prediction tools and conservation analyses suggest that this variant may not impact the protein function. Computational splicing tools suggest that this variant may not impact RNA splicing. To our knowledge, functional assays have not been performed for this variant nor has this variant been reported in individuals affected with hereditary cancer in the literature. This variant has been identified in 1/31326 chromosomes in the general population by the Genome Aggregation Database (gnomAD). Available evidence is insufficient to determine the role of this variant in disease conclusively. Therefore, this variant is classified as a Variant of Uncertain Significance.

This study involves interpretation of variants in research participants for the purpose of population health screening. Participant phenotype was not available at the time of variant classification. Additional details can be found in publication PMID: 35346344, PMCID: PMC8962531

Ambry Genetics
Classification: Likely benign for Hereditary cancer-predisposing syndrome. Last evaluated: 2016-04-01. Review status: criteria provided, single submitter. Criteria: Ambry Variant Classification Scheme 2023. Collection method: clinical testing. Allele origin: germline.